The following is an entry in ClinVar:

ClinVar aggregate classification (germline): Uncertain significance (1 of 4 stars; one submission).

Conditions:
Amyotrophic lateral sclerosis type 12 (ALS12). Also called: AMYOTROPHIC LATERAL SCLEROSIS 12 WITH OR WITHOUT FRONTOTEMPORAL DEMENTIA. Identifiers: Orphanet 803, MedGen C3150692, MONDO:0013264, OMIM 613435.
Primary open angle glaucoma (POAG). Also called: OPTN-related open angle glaucoma. Identifiers: MedGen C0339573, MONDO:0100553, OMIM 137760.
Glaucoma 1, open angle, E. Identifiers: MedGen C1842026, MONDO:0007665.

Submission:

Labcorp Genetics (formerly Invitae), Labcorp
Classification: Uncertain significance for Primary open angle glaucoma; Glaucoma 1, open angle, E; Amyotrophic lateral sclerosis type 12. Last evaluated: 2023-05-14. Review status: criteria provided, single submitter. Criteria: Invitae Variant Classification Sherloc (09022015). Collection method: clinical testing. Allele origin: germline.
Comment: This sequence change replaces valine, which is neutral and non-polar, with glutamic acid, which is acidic and polar, at codon 147 of the OPTN protein (p.Val147Glu). In summary, the available evidence is currently insufficient to determine the role of this variant in disease. Therefore, it has been classified as a Variant of Uncertain Significance. Advanced modeling of protein sequence and biophysical properties (such as structural, functional, and spatial information, amino acid conservation, physicochemical variation, residue mobility, and thermodynamic stability) performed at Invitae indicates that this missense variant is not expected to disrupt OPTN protein function. This variant has not been reported in the literature in individuals affected with OPTN-related conditions. This variant is not present in population databases (gnomAD no frequency).

NM_001008212.2(OPTN):c.440T>A (p.Val147Glu)

Gene: OPTN (optineurin; plus strand). Cytogenetic location: 10p13.
Variant type: single nucleotide variant.
Coding change: c.440T>A on transcript NM_001008212.2 (MANE Select); coding-DNA position 440, T replaced by A.
Protein change: p.Val147Glu; replaces valine 147 with glutamic acid.
Molecular consequence: missense variant.
Genome position (GRCh38, 1-based): chr10:13,112,523, T>A. VCF-style: chr10-13112523-T-A. GRCh37 (hg19) VCF-style: chr10-13154523-T-A.
Other names: c.440T>A, p.Val147Glu (NM_001008211.1, NM_001008213.1, NM_021980.4); short protein forms V147E.
Identifiers: ClinVar variation 2947758 (VCV002947758.3), dbSNP rs200863693, ClinGen allele CA376027917.
Genomic context (GRCh38, chr10:13,112,523, plus strand): 5'-ATGACTCCAGGCTTCCCAGGGCCGAAGCGGAGCAGGAAAAGGACCAGCTCAGGACCCAGG[T>A]GGTGAGGCTACAAGCAGAGAAGGCAGACCTGTTGGGCATCGTGTCTGAACTGCAGCTCAA-3'
Protein context (NP_001008213.1, residues 137-157): EQEKDQLRTQ[Val147Glu]VRLQAEKADL